The following is an entry in ClinVar:

NM_015898.4(ZBTB7A):c.1232_1234dup (p.Cys412Ter)

Gene: ZBTB7A (zinc finger and BTB domain containing 7A; minus strand). Cytogenetic location: 19p13.3.
Variant type: Duplication.
Coding change: c.1232_1234dup on transcript NM_015898.4 (MANE Select); coding-DNA positions 1232 to 1234, 3 bases duplicated (AGT; older notation c.1232_1234dupAGT).
Protein change: p.Cys412Ter; replaces cysteine 412 with a stop codon.
Molecular consequence: nonsense.
Genome position (GRCh38, 1-based): chr19:4,053,999-4,054,001, ACT duplicated on the plus strand (AGT on the coding strand, the reverse complement: ZBTB7A is on the minus strand). VCF-style (leftmost placement, unchanged base first): chr19-4053998-C-CACT. GRCh37 (hg19) VCF-style: chr19-4053996-C-CACT.
Other names: c.1232_1234dup, p.Cys412Ter (NM_001317990.2); short protein forms C412*.
Identifiers: ClinVar variation 3983741 (VCV003983741.1).
Genomic context (GRCh38, chr19:4,053,998, plus strand): 5'-AGGACGGCGCCTCCCCCGCGGCGGGCAGCTCACCTGGTGAAGCGGACCTTGCAGATGTTG[C>CACT]ACTCGTAGGGCTTCTCGCCCGTGTGGGTGCGGATGTGTCGCGGCAGCTTGCCGGCGCCCT-3'

ClinVar aggregate classification (germline): Likely pathogenic (1 of 4 stars; one submission).

Conditions:
Inborn genetic diseases. Identifiers: MedGen C0950123, MeSH D030342.

Submission:

Ambry Genetics
Classification: Likely pathogenic for Inborn genetic diseases. Last evaluated: 2025-04-17. Review status: criteria provided, single submitter. Criteria: Ambry Variant Classification Scheme 2023. Collection method: clinical testing. Allele origin: germline.
Comment: The c.1232_1234dupAGT (p.E411_C412ins*) alteration is located in exon 2 (coding exon 1) of the ZBTB7A gene. The alteration consists of an in-frame duplication of 3 nucleotides from position 1232 to 1234, resulting in the insertion of a stop codon between codons 411 and 412. This variant is not expected to trigger nonsense-mediated mRNA decay and impacts the last 29.8% of the protein. However, premature stop codons are typically deleterious in nature, the impacted region is critical for protein function, and a significant portion of the protein is affected (Ambry internal data). This variant was not reported in population-based cohorts in the Genome Aggregation Database (gnomAD). Based on the available evidence, this alteration is classified as likely pathogenic.